The following is an entry in ClinVar:

NM_000179.3(MSH6):c.3899_3901dup (p.Phe1300_Asn1301insIle)

Gene: MSH6 (mutS homolog 6; plus strand). Cytogenetic location: 2p16.3.
Variant type: Duplication.
Coding change: c.3899_3901dup on transcript NM_000179.3 (MANE Select); coding-DNA positions 3899 to 3901, 3 bases duplicated (TTA; older notation c.3899_3901dupTTA).
Protein change: p.Phe1300_Asn1301insIle.
Molecular consequence: inframe insertion.
Genome position (GRCh38, 1-based): chr2:47,806,549-47,806,551, TTA duplicated. VCF-style (leftmost placement, unchanged base first): chr2-47806548-T-TTTA. GRCh37 (hg19) VCF-style: chr2-48033687-T-TTTA.
Other names: c.3899_3901dupTTA (NM_000179.2); c.3509_3511dup, p.Phe1170_Asn1171insIle (NM_001281492.2); c.2993_2995dup, p.Phe998_Asn999insIle (NM_001281493.2, NM_001281494.2).
Identifiers: ClinVar variation 483832 (VCV000483832.5), dbSNP rs1553333545, ClinGen allele CA658655762.

ClinVar aggregate classification (germline): Uncertain significance (1 of 4 stars; one submission).

Conditions:
Hereditary cancer-predisposing syndrome. Also called: Neoplastic Syndromes, Hereditary; Tumor predisposition; Hereditary Cancer Syndrome; Hereditary neoplastic syndrome. Identifiers: Orphanet 140162, MedGen C0027672, MeSH D009386, MONDO:0015356.

Allele frequency attached by ClinVar (database versions not stated): gnomAD exomes below 0.00001.

Submission:

Ambry Genetics
Classification: Uncertain significance for Hereditary cancer-predisposing syndrome. Last evaluated: 2019-10-31. Review status: criteria provided, single submitter. Criteria: Ambry Variant Classification Scheme 2023. Collection method: clinical testing. Allele origin: germline.
Comment: The c.3899_3901dupTTA variant (also known as p.F1300_N1301insI), located in coding exon 9 of the MSH6 gene, results from an in-frame duplication of TTA at nucleotide positions 3899 to 3901. This results in the duplication of an extra residue (I) between codons 1300 and 1301. This nucleotide region is well conserved in available vertebrate species. Since supporting evidence is limited at this time, the clinical significance of this alteration remains unclear.